The following is an entry in ClinVar:

ClinVar aggregate classification (germline): Uncertain significance. Review status: criteria provided, multiple submitters, no conflicts (2 of 4 stars). 2 submissions from 2 submitters: Uncertain significance (2). Last evaluated 2025-08-01.

Conditions:
Familial hypercholesterolemia. Also called: Familial hypercholesterolaemia. Identifiers: MedGen C0020445, MONDO:0005439.

Allele frequency attached by ClinVar (database versions not stated): gnomAD 0.00001; 1000 Genomes Project 30x 0.00016.
gnomAD v4.1: 1 of 1,560,758 alleles (0.000064%); highest among the groups gnomAD compares: South Asian, 0.0012%; no homozygotes.

Submissions (2):

GeneDx
Classification: Uncertain significance. Last evaluated: 2025-08-01. Review status: criteria provided, single submitter. Criteria: GeneDx Variant Classification Process June 2021. Collection method: clinical testing. Allele origin: germline. Affected: yes.
Comment: Not observed at significant frequency in large population cohorts (gnomAD); In silico analysis supports that this missense variant has a deleterious effect on protein structure/function; Has not been previously published as pathogenic or benign to our knowledge

Color Diagnostics, LLC DBA Color Health
Classification: Uncertain significance for Familial hypercholesterolemia. Last evaluated: 2024-03-07. Review status: criteria provided, single submitter. Criteria: ACMG Guidelines, 2015. Collection method: clinical testing. Allele origin: germline.
Comment: This missense variant replaces alanine with valine at codon 314 of the PCSK9 protein. Computational prediction suggests that this variant may have deleterious impact on protein structure and function (internally defined REVEL score threshold >= 0.7, PMID: 27666373). Splice site prediction tools suggest that this variant may not impact RNA splicing. To our knowledge, functional studies have not been performed for this variant. This variant has not been reported in individuals affected with familial hypercholesterolemia in the literature. This variant has not been identified in the general population by the Genome Aggregation Database (gnomAD). The available evidence is insufficient to determine the role of this variant in disease conclusively. Therefore, this variant is classified as a Variant of Uncertain Significance.

NM_174936.4(PCSK9):c.941C>T (p.Ala314Val)

Gene: PCSK9 (proprotein convertase subtilisin/kexin type 9; plus strand). Cytogenetic location: 1p32.3.
Variant type: single nucleotide variant.
Coding change: c.941C>T on transcript NM_174936.4 (MANE Select); coding-DNA position 941, C replaced by T.
Protein change: p.Ala314Val; replaces alanine 314 with valine.
Molecular consequence: missense variant.
Genome position (GRCh38, 1-based): chr1:55,056,134, C>T. VCF-style: chr1-55056134-C-T. GRCh37 (hg19) VCF-style: chr1-55521807-C-T.
Other names: c.1064C>T, p.Ala355Val (NM_001407240.1); c.941C>T, p.Ala314Val (NM_001407241.1, NM_001407244.1, NM_001407247.1); c.944C>T, p.Ala315Val (NM_001407242.1); c.884C>T, p.Ala295Val (NM_001407243.1); c.749C>T, p.Ala250Val (NM_001407245.1); c.566C>T, p.Ala189Val (NM_001407246.1); short protein forms A314V, A295V, A315V, A189V, A250V, A355V.
Identifiers: ClinVar variation 926959 (VCV000926959.6), dbSNP rs971741435, ClinGen allele CA22762765.